The following is an entry in ClinVar:

ClinVar aggregate classification (germline): Uncertain significance (1 of 4 stars; one submission).

Conditions:
Cardiovascular phenotype. Identifiers: MedGen CN230736.

Submission:

Ambry Genetics
Classification: Uncertain significance for Cardiovascular phenotype. Last evaluated: 2025-04-17. Review status: criteria provided, single submitter. Criteria: Ambry Variant Classification Scheme 2023. Collection method: clinical testing. Allele origin: germline.
Comment: The p.M1? variant (also known as c.3G>A) is located in coding exon 1 of the LAMA4 gene and results from a G to A substitution at nucleotide position 3. This alters the methionine residue at the initiation codon (ATG). This amino acid position is highly conserved in available vertebrate species. The evidence for this gene-disease relationship is limited; therefore, the clinical significance of this alteration is unclear.

NM_001105206.3(LAMA4):c.3G>A (p.Met1Ile)

Genes: LAMA4 (laminin subunit alpha 4; minus strand), LAMA4-AS1 (LAMA4 antisense RNA 1; plus strand). Cytogenetic location: 6q21.
Variant type: single nucleotide variant.
Coding change: c.3G>A on transcript NM_001105206.3 (MANE Select); coding-DNA position 3, G replaced by A.
Protein change: p.Met1Ile; changes the start codon (methionine 1).
Molecular consequence: missense variant, initiator codon variant.
Genome position (GRCh38, 1-based): chr6:112,254,148, C>T on the plus strand (G>A on the coding strand, the complement: LAMA4 is on the minus strand). VCF-style: chr6-112254148-C-T. GRCh37 (hg19) VCF-style: chr6-112575350-C-T.
Other names: c.3G>A, p.Met1Ile (NM_001105207.3, NM_001105208.3, NM_001105209.3 and 1 more transcripts); short protein forms M1I.
Identifiers: ClinVar variation 4045939 (VCV004045939.1).